The following is an entry in ClinVar:

NM_001042492.3(NF1):c.1413_1414del (p.Lys471fs)

Gene: NF1 (neurofibromin 1; plus strand). Cytogenetic location: 17q11.2.
Variant type: Deletion.
Coding change: c.1413_1414del on transcript NM_001042492.3 (MANE Select); coding-DNA positions 1413 to 1414, 2 bases deleted (AG; older notation c.1413_1414delAG).
Protein change: p.Lys471fs; shifts the reading frame from lysine 471.
Molecular consequence: frameshift variant.
Genome position (GRCh38, 1-based): chr17:31,214,471-31,214,472, AG deleted. VCF-style (leftmost placement, unchanged base first): chr17-31214470-AAG-A. GRCh37 (hg19) VCF-style: chr17-29541488-AAG-A.
Other names: c.1413_1414delAG, p.Lys471Asnfs (NM_000267.4); c.1413_1414del, p.Lys471fs (NM_001128147.3); short protein forms K471fs.
Identifiers: ClinVar variation 3338875 (VCV003338875.1).
Genomic context (GRCh38, chr17:31,214,470, plus strand): 5'-TGAGTCTTATGTCTGATACCATGTTTTTGTTTTGTTTTTAGAGTCTTACATTTAAAGAAA[AAG>A]TAACAAGCCTTAAATTTAAAGAAAAACCTACAGACCTGGAGACAAGAAGCTATAAGTATC-3'

ClinVar aggregate classification (germline): Pathogenic (1 of 4 stars; one submission).

Submission:

GeneDx
Classification: Pathogenic. Last evaluated: 2024-01-31. Review status: criteria provided, single submitter. Criteria: GeneDx Variant Classification Process June 2021. Collection method: clinical testing. Allele origin: germline. Affected: yes.
Comment: Frameshift variant predicted to result in protein truncation or nonsense mediated decay in a gene for which loss of function is a known mechanism of disease; Not observed at significant frequency in large population cohorts (gnomAD); This variant is associated with the following publications: (PMID: 20358387)